The following is an entry in ClinVar:

ClinVar aggregate classification (germline): Likely benign (1 of 4 stars; one submission).

gnomAD v4.1: 375 of 1,614,098 alleles (0.023%); highest among the groups gnomAD compares: South Asian, 0.32%; 6 homozygotes.

Submission:

CeGaT Center for Human Genetics Tuebingen
Classification: Likely benign. Last evaluated: 2026-03-01. Review status: criteria provided, single submitter. Criteria: CeGaT Center For Human Genetics Tuebingen Variant Classification Criteria Version 2. Collection method: clinical testing. Allele origin: germline. Affected: yes. Observed: 3 variant alleles.
Comment: TAF4: BP4, BP7

NM_003185.4(TAF4):c.2862A>G (p.Glu954=)

Gene: TAF4 (TATA-box binding protein associated factor 4; minus strand). Cytogenetic location: 20q13.33.
Variant type: single nucleotide variant.
Coding change: c.2862A>G on transcript NM_003185.4 (MANE Select); coding-DNA position 2862, A replaced by G.
Protein change: p.Glu954=; no amino-acid change (glutamic acid 954 retained).
Molecular consequence: synonymous variant.
Genome position (GRCh38, 1-based): chr20:61,999,034, T>C on the plus strand (A>G on the coding strand, the complement: TAF4 is on the minus strand). VCF-style: chr20-61999034-T-C. GRCh37 (hg19) VCF-style: chr20-60574090-T-C.
Identifiers: ClinVar variation 3771108 (VCV003771108.13).
Genomic context (GRCh38, chr20:61,999,034, plus strand): 5'-AGCACTCGCCTTTGCTGCCCTCATCAGGATCTCCCGCTCCTGCTCATCCTTCCTCTGCTT[T>C]TCGATTTGATCAAGCTGTTCAAAAAACTTGAGCTGTGCCCGGACGTCACTCGCCTGCTCA-3'
Protein context (NP_003176.2, residues 944-964): LKFFEQLDQI[Glu954=]KQRKDEQERE